The following is an entry in ClinVar:

NM_001165963.4(SCN1A):c.4481G>A (p.Gly1494Glu)

Genes: SCN1A (sodium voltage-gated channel alpha subunit 1; minus strand), LOC102724058 (uncharacterized LOC102724058; plus strand). Cytogenetic location: 2q24.3.
Variant type: single nucleotide variant.
Coding change: c.4481G>A on transcript NM_001165963.4 (MANE Select); coding-DNA position 4481, G replaced by A.
Protein change: p.Gly1494Glu; replaces glycine 1494 with glutamic acid.
Molecular consequence: missense variant. On other transcripts: non-coding transcript variant (1).
Genome position (GRCh38, 1-based): chr2:165,996,113, C>T on the plus strand (G>A on the coding strand, the complement: SCN1A is on the minus strand). VCF-style: chr2-165996113-C-T. GRCh37 (hg19) VCF-style: chr2-166852623-C-T.
Other names: c.4397G>A, p.Gly1466Glu (NM_001165964.3, NM_001353957.2, NM_001353958.2); c.4481G>A, p.Gly1494Glu (NM_001202435.3, NM_001353948.2); c.4448G>A, p.Gly1483Glu (NM_001353949.2, NM_001353950.2, NM_001353951.2 and 2 more transcripts); c.4445G>A, p.Gly1482Glu (NM_001353954.2, NM_001353955.2); c.4394G>A, p.Gly1465Glu (NM_001353960.2); c.2039G>A, p.Gly680Glu (NM_001353961.2); short protein forms G1465E, G1466E, G1482E, G1483E, G1494E, G680E.
Identifiers: ClinVar variation 1066435 (VCV001066435.10), dbSNP rs2105462778, ClinGen allele CA349048911.

ClinVar aggregate classification (germline): Pathogenic (1 of 4 stars; one submission).

Conditions:
Early-infantile DEE. Also called: Ohtahara syndrome; Early infantile epileptic encephalopathy with suppression bursts; Early infantile epileptic encephalopathy. Identifiers: Orphanet 1934, MedGen C0393706, MONDO:0800491.

Submission:

Labcorp Genetics (formerly Invitae), Labcorp
Classification: Pathogenic for Early-infantile DEE. Last evaluated: 2026-01-15. Review status: criteria provided, single submitter. Criteria: Invitae Variant Classification Sherloc (09022015). Collection method: clinical testing. Allele origin: germline.
Comment: This sequence change replaces glycine, which is neutral and non-polar, with glutamic acid, which is acidic and polar, at codon 1494 of the SCN1A protein (p.Gly1494Glu). This variant is not present in population databases (gnomAD no frequency). This missense change has been observed in individual(s) with clinical features of SCN1A-related conditions and/or Dravet Syndrome (PMID: 32651551, 35074891; internal data). In at least one individual the variant was observed to be de novo. ClinVar contains an entry for this variant (Variation ID: 1066435). Invitae Evidence Modeling of protein sequence and biophysical properties (such as structural, functional, and spatial information, amino acid conservation, physicochemical variation, residue mobility, and thermodynamic stability) indicates that this missense variant is expected to disrupt SCN1A protein function with a positive predictive value of 95%. Algorithms developed to predict the effect of sequence changes on RNA splicing suggest that this variant may disrupt the consensus splice site. For these reasons, this variant has been classified as Pathogenic.

Literature cited by the submitters: PubMed 32651551; PubMed 35074891.